The following is an entry in ClinVar:

ClinVar aggregate classification (germline): Uncertain significance. Review status: criteria provided, multiple submitters, no conflicts (2 of 4 stars). 2 submissions from 2 submitters: Uncertain significance (2). Last evaluated 2025-07-03.

Allele frequency attached by ClinVar (database versions not stated): gnomAD exomes below 0.00001.
gnomAD v4.1: 3 of 1,573,118 alleles (0.00019%); highest among the groups gnomAD compares: African/African-American, 0.0013%; no homozygotes.

Submissions (2):

Labcorp Genetics (formerly Invitae), Labcorp
Classification: Uncertain significance. Last evaluated: 2025-07-03. Review status: criteria provided, single submitter. Criteria: Invitae Variant Classification Sherloc (09022015). Collection method: clinical testing. Allele origin: germline.
Comment: This sequence change affects codon 903 of the ERCC6 mRNA. It is a 'silent' change, meaning that it does not change the encoded amino acid sequence of the ERCC6 protein. This variant also falls at the last nucleotide of exon 14, which is part of the consensus splice site for this exon. This variant is present in population databases (no rsID available, gnomAD 0.0009%). This variant has not been reported in the literature in individuals affected with ERCC6-related conditions. ClinVar contains an entry for this variant (Variation ID: 3252908). An algorithm developed to predict the effect of missense changes on protein structure and function (PolyPhen-2) suggests that this variant is likely to be tolerated. Variants that disrupt the consensus splice site are a relatively common cause of aberrant splicing (PMID: 17576681, 9536098). Algorithms developed to predict the effect of sequence changes on RNA splicing suggest that this variant may disrupt the consensus splice site. In summary, the available evidence is currently insufficient to determine the role of this variant in disease. Therefore, it has been classified as a Variant of Uncertain Significance.

GeneDx
Classification: Uncertain significance. Last evaluated: 2024-02-15. Review status: criteria provided, single submitter. Criteria: GeneDx Variant Classification Process June 2021. Collection method: clinical testing. Allele origin: germline. Affected: yes.
Comment: Not observed at significant frequency in large population cohorts (gnomAD); Alters the last nucleotide of the exon and is predicted to destroy the splice donor site and result in aberrant splicing, although in the absence of functional evidence the actual effect of this sequence change is unknown.; In silico analysis supports that this missense variant does not alter protein structure/function; Has not been previously published as pathogenic or benign to our knowledge

Literature cited by the submitters: PubMed 17576681 (cited by Labcorp Genetics (formerly Invitae), Labcorp); PubMed 9536098 (cited by Labcorp Genetics (formerly Invitae), Labcorp).

NM_000124.4(ERCC6):c.2709G>T (p.Glu903Asp)

Gene: ERCC6 (ERCC excision repair 6, chromatin remodeling factor; minus strand). Cytogenetic location: 10q11.23.
Variant type: single nucleotide variant.
Coding change: c.2709G>T on transcript NM_000124.4 (MANE Select); coding-DNA position 2709, G replaced by T.
Protein change: p.Glu903Asp; replaces glutamic acid 903 with aspartic acid.
Molecular consequence: missense variant.
Genome position (GRCh38, 1-based): chr10:49,473,477, C>A on the plus strand (G>T on the coding strand, the complement: ERCC6 is on the minus strand). VCF-style: chr10-49473477-C-A. GRCh37 (hg19) VCF-style: chr10-50681523-C-A.
Other names: c.2709G>T, p.Glu903Asp (NM_001346440.2); short protein forms E903D.
Identifiers: ClinVar variation 3252908 (VCV003252908.2), dbSNP rs1262001304.
Genomic context (GRCh38, chr10:49,473,477, plus strand): 5'-AGTCCTTTCCCTCCACGTACAGCAGCACCACTCAACTTCCCTGTTACATTCACATGTTAC[C>A]TCATTGTATCTCGTAATCAGTGGCTGTCTTGAAGCTATTGTAGTGGTACCATCCATCTTG-3'
Protein context (NP_000115.1, residues 893-913): SRQPLITRYN[Glu903Asp]DTSIFVFLLT